The following is an entry in ClinVar:

NM_004560.4(ROR2):c.2354G>A (p.Arg785His)

Gene: ROR2 (receptor tyrosine kinase like orphan receptor 2; minus strand). Cytogenetic location: 9q22.31.
Variant type: single nucleotide variant.
Coding change: c.2354G>A on transcript NM_004560.4 (MANE Select); coding-DNA position 2354, G replaced by A.
Protein change: p.Arg785His; replaces arginine 785 with histidine.
Molecular consequence: missense variant.
Genome position (GRCh38, 1-based): chr9:91,724,140, C>T on the plus strand (G>A on the coding strand, the complement: ROR2 is on the minus strand). VCF-style: chr9-91724140-C-T. GRCh37 (hg19) VCF-style: chr9-94486422-C-T.
Other names: c.2354G>A (NM_004560.3); short protein forms R785H.
Identifiers: ClinVar variation 1059368 (VCV001059368.11), dbSNP rs368059807, ClinGen allele CA5120415.

ClinVar aggregate classification (germline): Uncertain significance. Review status: criteria provided, multiple submitters, no conflicts (2 of 4 stars). 3 submissions from 3 submitters: Uncertain significance (3). Last evaluated 2025-07-28.

Conditions:
Autosomal recessive Robinow syndrome (RRS1). Also called: ROR2-Related Robinow Syndrome; COSTOVERTEBRAL SEGMENTATION DEFECT WITH MESOMELIA; COVESDEM SYNDROME; ROBINOW SYNDROME, AUTOSOMAL RECESSIVE 1. Identifiers: Orphanet 1507, Orphanet 97360, MedGen C5399974, MONDO:0009999, OMIM 268310.
Brachydactyly type B1 (BDB1). Identifiers: Orphanet 572385, Orphanet 93383, MedGen C1862112, MONDO:0007220, OMIM 113000.
Inborn genetic diseases. Identifiers: MedGen C0950123, MeSH D030342.

Allele frequency attached by ClinVar (database versions not stated): gnomAD 0.00002; TOPMed 0.00002; gnomAD exomes 0.00006; ESP Exome Variant Server 0.00008; ExAC 0.00007.
gnomAD v4.1: 45 of 1,611,118 alleles (0.0028%); highest among the groups gnomAD compares: East Asian, 0.027%; no homozygotes.

Submissions (3):

Labcorp Genetics (formerly Invitae), Labcorp
Classification: Uncertain significance. Last evaluated: 2025-07-28. Review status: criteria provided, single submitter. Criteria: Invitae Variant Classification Sherloc (09022015). Collection method: clinical testing. Allele origin: germline.
Comment: This sequence change replaces arginine, which is basic and polar, with histidine, which is basic and polar, at codon 785 of the ROR2 protein (p.Arg785His). This variant is present in population databases (rs368059807, gnomAD 0.05%). This variant has not been reported in the literature in individuals affected with ROR2-related conditions. ClinVar contains an entry for this variant (Variation ID: 1059368). An algorithm developed to predict the effect of missense changes on protein structure and function (PolyPhen-2) suggests that this variant is likely to be tolerated. In summary, the available evidence is currently insufficient to determine the role of this variant in disease. Therefore, it has been classified as a Variant of Uncertain Significance.

Ambry Genetics
Classification: Uncertain significance for Inborn genetic diseases. Last evaluated: 2022-07-27. Review status: criteria provided, single submitter. Criteria: Ambry Variant Classification Scheme 2023. Collection method: clinical testing. Allele origin: germline.

Fulgent Genetics
Classification: Uncertain significance for Brachydactyly type B1; Autosomal recessive Robinow syndrome. Last evaluated: 2021-11-23. Review status: criteria provided, single submitter. Criteria: ACMG Guidelines, 2015. Collection method: clinical testing. Allele origin: unknown.